The following is an entry in ClinVar:

NM_001037333.3(CYFIP2):c.2441A>G (p.His814Arg)

Gene: CYFIP2 (cytoplasmic FMR1 interacting protein 2; plus strand). Cytogenetic location: 5q33.3.
Variant type: single nucleotide variant.
Coding change: c.2441A>G on transcript NM_001037333.3 (MANE Select); coding-DNA position 2441, A replaced by G.
Protein change: p.His814Arg; replaces histidine 814 with arginine.
Molecular consequence: missense variant.
Genome position (GRCh38, 1-based): chr5:157,339,112, A>G. VCF-style: chr5-157339112-A-G. GRCh37 (hg19) VCF-style: chr5-156766120-A-G.
Other names: c.2363A>G, p.His788Arg (NM_001291721.2); c.2516A>G, p.His839Arg (NM_001291722.2); c.2441A>G, p.His814Arg (NM_014376.4); short protein forms H839R, H788R, H814R.
Identifiers: ClinVar variation 2805012 (VCV002805012.3), dbSNP rs534756048, ClinGen allele CA3533865.
Genomic context (GRCh38, chr5:157,339,112, plus strand): 5'-TACAGGAGCTGGAGTGGCTGCTGGAGATTAACCGGCTCACGCATCGGCTGCTCTGTAAGC[A>G]TATGACGCTGGACAGCTTCGATGCCATGTTCCGAGAGGCCAATCACAATGTGTCCGCCCC-3'
Protein context (NP_001032410.1, residues 804-824): NRLTHRLLCK[His814Arg]MTLDSFDAMF

ClinVar aggregate classification (germline): Uncertain significance (1 of 4 stars; one submission).

Allele frequency attached by ClinVar (database versions not stated): gnomAD 0.00001; ExAC 0.00002; gnomAD exomes 0.00003; 1000 Genomes Project 30x 0.00016; 1000 Genomes Project 0.00020.
gnomAD v4.1: 18 of 1,614,010 alleles (0.0011%); highest among the groups gnomAD compares: East Asian, 0.027%; no homozygotes.

Submission:

Labcorp Genetics (formerly Invitae), Labcorp
Classification: Uncertain significance. Last evaluated: 2023-03-10. Review status: criteria provided, single submitter. Criteria: Invitae Variant Classification Sherloc (09022015). Collection method: clinical testing. Allele origin: germline.
Comment: This variant has not been reported in the literature in individuals affected with CYFIP2-related conditions. Experimental studies and prediction algorithms are not available or were not evaluated, and the functional significance of this variant is currently unknown. In summary, the available evidence is currently insufficient to determine the role of this variant in disease. Therefore, it has been classified as a Variant of Uncertain Significance. This variant is present in population databases (rs534756048, gnomAD 0.006%). This sequence change replaces histidine, which is basic and polar, with arginine, which is basic and polar, at codon 814 of the CYFIP2 protein (p.His814Arg).